The following is an entry in ClinVar:

NM_014712.3(SETD1A):c.4606C>T (p.Arg1536Cys)

Gene: SETD1A (SET domain containing 1A, histone lysine methyltransferase; plus strand). Cytogenetic location: 16p11.2.
Variant type: single nucleotide variant.
Coding change: c.4606C>T on transcript NM_014712.3 (MANE Select); coding-DNA position 4606, C replaced by T.
Protein change: p.Arg1536Cys; replaces arginine 1536 with cysteine.
Molecular consequence: missense variant.
Genome position (GRCh38, 1-based): chr16:30,980,763, C>T. VCF-style: chr16-30980763-C-T. GRCh37 (hg19) VCF-style: chr16-30992084-C-T.
Other names: short protein forms R1536C.
Identifiers: ClinVar variation 3770104 (VCV003770104.1).

ClinVar aggregate classification (germline): Uncertain significance (1 of 4 stars; one submission).

Submission:

GeneDx
Classification: Uncertain significance. Last evaluated: 2024-09-11. Review status: criteria provided, single submitter. Criteria: GeneDx Variant Classification Process June 2021. Collection method: clinical testing. Allele origin: germline. Affected: yes.
Comment: Not observed at significant frequency in large population cohorts (gnomAD); In silico analysis supports that this missense variant has a deleterious effect on protein structure/function; Has not been previously published as pathogenic or benign to our knowledge